The following is an entry in ClinVar:

NM_006147.4(IRF6):c.246G>C (p.Gln82His)

Gene: IRF6 (interferon regulatory factor 6; minus strand). Cytogenetic location: 1q32.2.
Variant type: single nucleotide variant.
Coding change: c.246G>C on transcript NM_006147.4 (MANE Select); coding-DNA position 246, G replaced by C.
Protein change: p.Gln82His; replaces glutamine 82 with histidine.
Molecular consequence: missense variant. On other transcripts: 5 prime UTR variant (1).
Genome position (GRCh38, 1-based): chr1:209,796,481, C>G on the plus strand (G>C on the coding strand, the complement: IRF6 is on the minus strand). VCF-style: chr1-209796481-C-G. GRCh37 (hg19) VCF-style: chr1-209969826-C-G.
Other names: c.-40G>C (NM_001206696.2); short protein forms Q82H.
Identifiers: ClinVar variation 5037670 (VCV005037670.1).

ClinVar aggregate classification (germline): Uncertain significance (1 of 4 stars; one submission).

Submission:

GeneDx
Classification: Uncertain significance. Last evaluated: 2026-04-19. Review status: criteria provided, single submitter. Criteria: GeneDx Variant Classification Process June 2021. Collection method: clinical testing. Allele origin: germline.
Comment: Not observed at significant frequency in large population cohorts (gnomAD); In silico analysis suggests that this missense variant does not alter protein structure/function; This variant is associated with the following publications: (PMID: 19282774)